The following is an entry in ClinVar:

NM_000245.4(MET):c.744G>A (p.Lys248=)

Gene: MET (MET proto-oncogene, receptor tyrosine kinase; plus strand). Cytogenetic location: 7q31.2.
Variant type: single nucleotide variant.
Coding change: c.744G>A on transcript NM_000245.4 (MANE Select); coding-DNA position 744, G replaced by A.
Protein change: p.Lys248=; no amino-acid change (lysine 248 retained).
Molecular consequence: synonymous variant. On other transcripts: intron variant (1).
Genome position (GRCh38, 1-based): chr7:116,699,828, G>A. VCF-style: chr7-116699828-G-A. GRCh37 (hg19) VCF-style: chr7-116339882-G-A.
Other names: c.744G>A, p.Lys248= (NM_001127500.3, NM_001324401.3); c.-91+27251G>A (NM_001324402.2).
Identifiers: ClinVar variation 2561315 (VCV002561315.3), dbSNP rs1562884016, ClinGen allele CA457447872.

ClinVar aggregate classification (germline): Benign/Likely benign. Review status: criteria provided, multiple submitters, no conflicts (2 of 4 stars). 2 submissions from 2 submitters: Benign (1); Likely benign (1). Last evaluated 2024-11-06.

Conditions:
Hereditary cancer-predisposing syndrome. Also called: Neoplastic Syndromes, Hereditary; Hereditary Cancer Syndrome; Hereditary neoplastic syndrome; Tumor predisposition. Identifiers: Orphanet 140162, MedGen C0027672, MeSH D009386, MONDO:0015356.
Papillary renal cell carcinoma type 1 (RCCP1). Also called: Renal adenocarcinoma; Renal cell carcinoma 1; Renal cell carcinoma, somatic; RENAL CELL CARCINOMA, PAPILLARY, 1, SOMATIC. Identifiers: Orphanet 47044, MedGen C1336839, OMIM 605074, HP:0011797.

Submissions (2):

Myriad Genetics, Inc.
Classification: Benign for Papillary renal cell carcinoma type 1. Last evaluated: 2024-11-06. Review status: criteria provided, single submitter. Criteria: Myriad Autosomal Dominant, Autosomal Recessive and X-Linked Classification Criteria (2023). Collection method: clinical testing. Allele origin: unknown.
Comment: This variant is considered benign. This variant is a silent/synonymous amino acid change and it is not expected to impact splicing.

Ambry Genetics
Classification: Likely benign for Hereditary cancer-predisposing syndrome. Last evaluated: 2023-04-20. Review status: criteria provided, single submitter. Criteria: Ambry Variant Classification Scheme 2023. Collection method: clinical testing. Allele origin: germline.